The following is an entry in ClinVar:

NM_001385012.1(NBEA):c.717C>A (p.Ser239Arg)

Gene: NBEA (neurobeachin; plus strand). Cytogenetic location: 13q13.3.
Variant type: single nucleotide variant.
Coding change: c.717C>A on transcript NM_001385012.1 (MANE Select); coding-DNA position 717, C replaced by A.
Protein change: p.Ser239Arg; replaces serine 239 with arginine.
Molecular consequence: missense variant.
Genome position (GRCh38, 1-based): chr13:35,045,395, C>A. VCF-style: chr13-35045395-C-A. GRCh37 (hg19) VCF-style: chr13-35619532-C-A.
Other names: c.717C>A, p.Ser239Arg (NM_001379245.1, NM_015678.5); short protein forms S239R.
Identifiers: ClinVar variation 4755592 (VCV004755592.1).
Genomic context (GRCh38, chr13:35,045,395, plus strand): 5'-TCTTAATCAGATGCCACAGAGACACGGTCCTGATACTTTTTTCAATTTCCCTGGTTGTAG[C>A]GCTGCGGTAAGTTTTAAATACATGTGCTGATTTTTATTTATTTATTTTTAGGTCACCTTT-3'
Protein context (NP_001371941.1, residues 229-249): PDTFFNFPGC[Ser239Arg]AAAIALPPIA

ClinVar aggregate classification (germline): Uncertain significance (1 of 4 stars; one submission).

Submission:

GeneDx
Classification: Uncertain significance. Last evaluated: 2025-08-06. Review status: criteria provided, single submitter. Criteria: GeneDx Variant Classification Process June 2021. Collection method: clinical testing. Allele origin: germline. Affected: yes.
Comment: Not observed at significant frequency in large population cohorts (gnomAD); In silico analysis suggests that this missense variant does not alter protein structure/function; Has not been previously published as pathogenic or benign to our knowledge